The following is an entry in ClinVar:

NM_000388.4(CASR):c.2393C>T (p.Pro798Leu)

Gene: CASR (calcium sensing receptor; plus strand). Cytogenetic location: 3q21.1.
Variant type: single nucleotide variant.
Coding change: c.2393C>T on transcript NM_000388.4 (MANE Select); coding-DNA position 2393, C replaced by T.
Protein change: p.Pro798Leu; replaces proline 798 with leucine.
Molecular consequence: missense variant.
Genome position (GRCh38, 1-based): chr3:122,284,347, C>T. VCF-style: chr3-122284347-C-T. GRCh37 (hg19) VCF-style: chr3-122003194-C-T.
Other names: c.2423C>T, p.Pro808Leu (NM_001178065.2); short protein forms P798L, P808L.
Identifiers: ClinVar variation 410346 (VCV000410346.22), dbSNP rs1060502856, ClinGen allele CA16611130.

ClinVar aggregate classification (germline): Pathogenic/Likely pathogenic. Review status: criteria provided, multiple submitters, no conflicts (2 of 4 stars). 6 submissions from 6 submitters: Pathogenic (2); Likely pathogenic (3). 1 of the submissions does not count toward it. Last evaluated 2025-06-09.

Conditions:
Autosomal dominant hypocalcemia 1 (HYPOC1). Also called: HYPOCALCEMIA, FAMILIAL. Identifiers: MedGen C3715128, MONDO:0011013, OMIM 601198.
Familial hypocalciuric hypercalcemia (FHH). Also called: Familial benign hypercalcemia. Identifiers: Orphanet 405, MedGen C1809471, MONDO:0018458.
CASR-related disorder. Also called: CASR-related condition.
Familial hyperparathyroidism or Hypocalciuric hypercalcaemia.

Allele frequency attached by ClinVar (database versions not stated): gnomAD 0.00001.

Submissions (6):

Labcorp Genetics (formerly Invitae), Labcorp
Classification: Pathogenic for Familial hypocalciuric hypercalcemia; Autosomal dominant hypocalcemia 1. Last evaluated: 2025-06-09. Review status: criteria provided, single submitter. Criteria: Invitae Variant Classification Sherloc (09022015). Collection method: clinical testing. Allele origin: germline.
Comment: This sequence change replaces proline, which is neutral and non-polar, with leucine, which is neutral and non-polar, at codon 798 of the CASR protein (p.Pro798Leu). This variant is not present in population databases (gnomAD no frequency). This missense change has been observed in individuals with familial hypocalciuric hypercalcemia (PMID: 15963484, 22422767, 31672324; internal data). It has also been observed to segregate with disease in related individuals. Invitae Evidence Modeling of clinical and family history, age, sex, and reported ancestry of multiple individuals with this CASR variant has been performed. This variant is expected to be pathogenic with a positive predictive value of at least 99%. This is a validated machine learning model that incorporates the clinical features of 646,172 individuals referred to our laboratory for CASR testing. ClinVar contains an entry for this variant (Variation ID: 410346). An algorithm developed to predict the effect of missense changes on protein structure and function (PolyPhen-2) suggests that this variant is likely to be disruptive. This variant disrupts the p.Pro798 amino acid residue in CASR. Other variant(s) that disrupt this residue have been determined to be pathogenic (PMID: 15963484, 19389809). This suggests that this residue is clinically significant, and that variants that disrupt this residue are likely to be disease-causing. For these reasons, this variant has been classified as Pathogenic.

Women's Health and Genetics/Laboratory Corporation of America, LabCorp
Classification: Pathogenic for Familial hypocalciuric hypercalcemia. Last evaluated: 2025-06-04. Review status: criteria provided, single submitter. Criteria: LabCorp Variant Classification Summary - May 2015. Collection method: clinical testing. Allele origin: germline.
Comment: Variant summary: CASR c.2393C>T (p.Pro798Leu) results in a non-conservative amino acid change located in the GPCR family 3, C-terminal domain (IPR017978) of the encoded protein sequence. Algorithms developed to predict the effect of missense changes on protein structure and function all suggest that this variant is likely to be disruptive. The variant was absent in 251304 control chromosomes. c.2393C>T has been observed in multiple individuals affected with Familial Hypocalciuric Hypercalcemia and/or autosomal dominant Familial Hyperparathyroidism (e.g. Hannan_2012, Hureaux_2019, Gorvin_2019, Mariathasan_2020, Mazarico-Altisent_2023). These data indicate that the variant is very likely to be associated with disease. A different variant affecting the same codon has been classified as pathogenic by our lab (c.2392C>A, p.Pro798Thr), supporting the critical relevance of codon 798 to CASR protein function. The following publications have been ascertained in the context of this evaluation (PMID: 31189130, 22422767, 31672324, 32430905, 37810884). ClinVar contains an entry for this variant (Variation ID: 410346). Based on the evidence outlined above, the variant was classified as pathogenic.

Center for Genomic Medicine, Rigshospitalet, Copenhagen University Hospital
Classification: Likely pathogenic. Last evaluated: 2025-03-04. Review status: criteria provided, single submitter. Criteria: ACMG Guidelines, 2015. Collection method: clinical testing. Allele origin: germline.

Blueprint Genetics
Classification: Likely pathogenic for CASR-related disorders. Last evaluated: 2024-09-21. Review status: criteria provided, single submitter. Criteria: ACMG Guidelines, 2015. Collection method: clinical testing. Allele origin: germline. Affected: yes. Observed: 5 variant alleles.

Athena Diagnostics
Classification: Likely pathogenic. Last evaluated: 2023-04-21. Review status: criteria provided, single submitter. Criteria: Athena Diagnostics Criteria. Collection method: clinical testing. Allele origin: unknown.
Comment: In some published literature, this variant is referred to as c.2423C>T p.(Pro808Leu). This variant has been identified in multiple unrelated individuals with clinical features of hypocalciuric hypercalcemia. At least one other missense variant at this codon is considered to be pathogenic or likely pathogenic, suggesting this variant may also cause disease. This variant has not been reported in large, multi-ethnic general populations. Computational tools predict that this variant is damaging.

Exeter Genomics Laboratory, Royal Devon University Healthcare NHS Foundation Trust
Classification: Pathogenic for Familial hyperparathyroidism or Hypocalciuric hypercalcaemia. Last evaluated: 2025-06-13. Review status: no assertion criteria provided. Collection method: clinical testing. Allele origin: germline. Affected: yes. Not counted in ClinVar's aggregate classification.

Literature cited by the submitters: PubMed 15963484 (cited by Labcorp Genetics (formerly Invitae), Labcorp); PubMed 22422767 (cited by 4 submitters); PubMed 31672324 (cited by 4 submitters); PubMed 19389809 (cited by Labcorp Genetics (formerly Invitae), Labcorp); PubMed 31189130 (cited by Women's Health and Genetics/Laboratory Corporation of America, LabCorp); PubMed 32430905 (cited by 3 submitters); PubMed 37810884 (cited by Women's Health and Genetics/Laboratory Corporation of America, LabCorp); PubMed 32375028 (cited by Athena Diagnostics).